The following is an entry in ClinVar:

NM_001002755.4(NFU1):c.565G>A (p.Gly189Arg)

Gene: NFU1 (NFU1 iron-sulfur cluster scaffold; minus strand). Cytogenetic location: 2p13.3.
Variant type: single nucleotide variant.
Coding change: c.565G>A on transcript NM_001002755.4 (MANE Select); coding-DNA position 565, G replaced by A.
Protein change: p.Gly189Arg; replaces glycine 189 with arginine.
Molecular consequence: missense variant. On other transcripts: non-coding transcript variant (1).
Genome position (GRCh38, 1-based): chr2:69,400,519, C>T on the plus strand (G>A on the coding strand, the complement: NFU1 is on the minus strand). VCF-style: chr2-69400519-C-T. GRCh37 (hg19) VCF-style: chr2-69627651-C-T.
Other names: c.142G>A, p.Gly48Arg (NM_001002756.2); c.493G>A, p.Gly165Arg (NM_001374284.1, NM_015700.4); short protein forms G165R, G189R, G48R.
Identifiers: ClinVar variation 1285476 (VCV001285476.5), dbSNP rs2104735490, ClinGen allele CA347123544.
Genomic context (GRCh38, chr2:69,400,519, plus strand): 5'-AACCCTGGAGTTTCAGCTGTACAATGCCATCTTCAAAGCCTTTGTAGATTACATCCCCTC[C>T]ATCTTCCTGCACAGTTGGCCTGTGAGGTCAAAGAATATTTATGACATATTCTTTAAAATA-3'
Protein context (NP_001002755.1, residues 179-199): TRIRPTVQED[Gly189Arg]GDVIYKGFED

ClinVar aggregate classification (germline): Likely pathogenic. Review status: criteria provided, single submitter (1 of 4 stars). 3 submissions from 2 submitters: Likely pathogenic (1). 2 of the submissions do not count toward it. Last evaluated 2020-12-02.

Conditions:
Spastic paraplegia 93, autosomal recessive. Identifiers: MedGen C5975375, MONDO:0975796, OMIM 620938.
Multiple mitochondrial dysfunctions syndrome 1 (MMDS1). Identifiers: Orphanet 401869, MedGen C3276432, MONDO:0011582, OMIM 605711.

Submissions (3):

Institute of Human Genetics, University of Leipzig Medical Center
Classification: Likely pathogenic for Multiple mitochondrial dysfunctions syndrome 1. Last evaluated: 2020-12-02. Review status: criteria provided, single submitter. Criteria: ACMG Guidelines, 2015. Collection method: clinical testing. Allele origin: unknown. Affected: yes.
Comment: Criteria applied: PS3_MOD,PS4_MOD,PM1,PM2_SUP,PM3_SUP,PP3

OMIM
Classification: Pathogenic for SPASTIC PARAPLEGIA 93, AUTOSOMAL RECESSIVE. Last evaluated: 2024-09-09. Review status: no assertion criteria provided. Collection method: literature only. Allele origin: germline. Not counted in ClinVar's aggregate classification.

OMIM
Classification: Pathogenic for MULTIPLE MITOCHONDRIAL DYSFUNCTIONS SYNDROME 1. Last evaluated: 2024-09-09. Review status: no assertion criteria provided. Collection method: literature only. Allele origin: germline. Not counted in ClinVar's aggregate classification.

Literature cited by the submitters: PubMed 25918518 (cited by OMIM); PubMed 25477904 (cited by OMIM); PubMed 24462778 (cited by OMIM); PubMed 25758857 (cited by OMIM); PubMed 32747156 (cited by OMIM).